The following is an entry in ClinVar:

ClinVar aggregate classification (germline): Uncertain significance (1 of 4 stars; one submission).

Allele frequency attached by ClinVar (database versions not stated): TOPMed below 0.00001.

Submission:

Labcorp Genetics (formerly Invitae), Labcorp
Classification: Uncertain significance. Last evaluated: 2023-03-14. Review status: criteria provided, single submitter. Criteria: Invitae Variant Classification Sherloc (09022015). Collection method: clinical testing. Allele origin: germline.
Comment: This sequence change replaces leucine, which is neutral and non-polar, with valine, which is neutral and non-polar, at codon 565 of the MICAL1 protein (p.Leu565Val). This variant is not present in population databases (gnomAD no frequency). This variant has not been reported in the literature in individuals affected with MICAL1-related conditions. An algorithm developed to predict the effect of missense changes on protein structure and function (PolyPhen-2) suggests that this variant is likely to be disruptive. In summary, the available evidence is currently insufficient to determine the role of this variant in disease. Therefore, it has been classified as a Variant of Uncertain Significance.

NM_022765.4(MICAL1):c.1636C>G (p.Leu546Val)

Gene: MICAL1 (microtubule associated monooxygenase, calponin and LIM domain containing 1; minus strand). Cytogenetic location: 6q21.
Variant type: single nucleotide variant.
Coding change: c.1636C>G on transcript NM_022765.4 (MANE Select); coding-DNA position 1636, C replaced by G.
Protein change: p.Leu546Val; replaces leucine 546 with valine.
Molecular consequence: missense variant.
Genome position (GRCh38, 1-based): chr6:109,448,760, G>C on the plus strand (C>G on the coding strand, the complement: MICAL1 is on the minus strand). VCF-style: chr6-109448760-G-C. GRCh37 (hg19) VCF-style: chr6-109769963-G-C.
Other names: c.1378C>G, p.Leu460Val (NM_001159291.2); c.1693C>G, p.Leu565Val (NM_001286613.2); short protein forms L460V, L546V, L565V.
Identifiers: ClinVar variation 2980558 (VCV002980558.3), dbSNP rs1775368526, ClinGen allele CA365229056.
Genomic context (GRCh38, chr6:109,448,760, plus strand): 5'-ATGAGAGAGAGGTGGGTCTGCCAGGGACTCACAGCAGGCCAGGCTGCAGCCGGTACACCA[G>C]GGCACACAGAGCTAGCCCATCAGCCCAGGAGGAAGACAAATCGGAGACGTGGACTCCCGG-3'
Protein context (NP_073602.3, residues 536-556): SWADGLALCA[Leu546Val]VYRLQPGLLE